The following is an entry in ClinVar:

NM_000466.3(PEX1):c.934A>G (p.Ile312Val)

Gene: PEX1 (peroxisomal biogenesis factor 1; minus strand). Cytogenetic location: 7q21.2.
Variant type: single nucleotide variant.
Coding change: c.934A>G on transcript NM_000466.3 (MANE Select); coding-DNA position 934, A replaced by G.
Protein change: p.Ile312Val; replaces isoleucine 312 with valine.
Molecular consequence: missense variant.
Genome position (GRCh38, 1-based): chr7:92,517,581, T>C on the plus strand (A>G on the coding strand, the complement: PEX1 is on the minus strand). VCF-style: chr7-92517581-T-C. GRCh37 (hg19) VCF-style: chr7-92146895-T-C.
Other names: p.Ile312Val; c.934A>G, p.Ile312Val (NM_001282677.2); c.310A>G, p.Ile104Val (NM_001282678.2); short protein forms I312V, I104V.
Identifiers: ClinVar variation 283861 (VCV000283861.50), dbSNP rs146312634, ClinGen allele CA4341516.

ClinVar aggregate classification (germline): Likely benign. Review status: criteria provided, multiple submitters, no conflicts (2 of 4 stars). 9 submissions from 9 submitters: Likely benign (7). 2 of the submissions do not count toward it. Last evaluated 2026-05-01.

Conditions:
PEX1-related disorder. Also called: PEX1-related condition.
Zellweger spectrum disorders (ZS). Also called: Zellweger Spectrum Disorder (ZSD); Zellweger syndrome; Zellweger Spectrum Disorder; Zellweger Spectrum. Identifiers: Orphanet 912, MedGen C0043459, MONDO:0019609.
Peroxisome biogenesis disorder 1A (Zellweger) (PBD1A). Also called: Peroxisome biogenesis disorder 1a; Zellweger leukodystrophy. Identifiers: MedGen C4721541, MONDO:0008953, OMIM 214100.

Allele frequency attached by ClinVar (database versions not stated): ExAC 0.00085; gnomAD 0.00223; 1000 Genomes Project 0.00240; 1000 Genomes Project 30x 0.00250; ESP Exome Variant Server 0.00315; TOPMed 0.00329.
gnomAD v4.1: 790 of 1,614,094 alleles (0.049%); highest among the groups gnomAD compares: African/African-American, 0.98%; 3 homozygotes.

Submissions (9):

CeGaT Center for Human Genetics Tuebingen
Classification: Likely benign. Last evaluated: 2026-05-01. Review status: criteria provided, single submitter. Criteria: CeGaT Center For Human Genetics Tuebingen Variant Classification Criteria Version 2. Collection method: clinical testing. Allele origin: germline. Affected: yes. Observed: 2 variant alleles.
Comment: PEX1: BP4, BS2

Labcorp Genetics (formerly Invitae), Labcorp
Classification: Likely benign for Zellweger spectrum disorders. Last evaluated: 2026-02-04. Review status: criteria provided, single submitter. Criteria: Invitae Variant Classification Sherloc (09022015). Collection method: clinical testing. Allele origin: germline.

Mayo Clinic Laboratories, Mayo Clinic
Classification: Likely benign. Last evaluated: 2025-08-05. Review status: criteria provided, single submitter. Criteria: ACMG Guidelines, 2015. Collection method: clinical testing. Allele origin: germline. Observed: 4 variant alleles.
Comment: BS1

Blueprint Genetics
Classification: Likely benign. Last evaluated: 2024-09-04. Review status: criteria provided, single submitter. Criteria: ACMG Guidelines, 2015. Collection method: clinical testing. Allele origin: germline.

Illumina Laboratory Services, Illumina
Classification: Likely benign for Peroxisome biogenesis disorder 1A (Zellweger). Last evaluated: 2018-01-13. Review status: criteria provided, single submitter. Criteria: ICSL Variant Classification Criteria 13 December 2019. Collection method: clinical testing. Allele origin: germline.
Comment: This variant was observed in the ICSL laboratory as part of a predisposition screen in an ostensibly healthy population. It had not been previously curated by ICSL or reported in the Human Gene Mutation Database (HGMD: prior to June 1st, 2018), and was therefore a candidate for classification through an automated scoring system. Utilizing variant allele frequency, disease prevalence and penetrance estimates, and inheritance mode, an automated score was calculated to assess if this variant is too frequent to cause the disease. Based on the score and internal cut-off values, a variant classified as likely benign is not then subjected to further curation. The score for this variant resulted in a classification of likely benign for this disease.

Eurofins Ntd Llc (ga)
Classification: Likely benign. Last evaluated: 2015-10-20. Review status: criteria provided, single submitter. Criteria: EGL Classification Definitions 2015. Collection method: clinical testing. Allele origin: germline. Observed: 1 variant allele, 1 heterozygote.

Breakthrough Genomics
Classification: Likely benign. Review status: criteria provided, single submitter. Criteria: ACMG Guidelines, 2015. Collection method: not provided. Allele origin: germline. Inheritance: Autosomal recessive inheritance. Affected: yes.

PreventionGenetics, part of Exact Sciences
Classification: Benign for PEX1-related condition. Last evaluated: 2019-09-11. Review status: no assertion criteria provided. Collection method: clinical testing. Allele origin: germline. Not counted in ClinVar's aggregate classification.
Comment: This variant is classified as benign based on ACMG/AMP sequence variant interpretation guidelines (Richards et al. 2015 PMID: 25741868, with internal and published modifications).

Natera, Inc.
Classification: Likely benign for Zellweger syndrome. Last evaluated: 2017-05-10. Review status: no assertion criteria provided. Collection method: clinical testing. Allele origin: germline. Not counted in ClinVar's aggregate classification.